The following is an entry in ClinVar:

ClinVar aggregate classification (germline): Uncertain significance (1 of 4 stars; one submission).

Conditions:
Glycogen storage disease type III (GSD3). Also called: FORBES DISEASE; Cori disease. Identifiers: Orphanet 366, MedGen C0017922, MONDO:0009291, OMIM 232400.

Allele frequency attached by ClinVar (database versions not stated): gnomAD exomes below 0.00001.
gnomAD v4.1: 1 of 1,612,176 alleles (0.000062%); highest among the groups gnomAD compares: Non-Finnish European, 0.000085%; no homozygotes.

Submission:

Labcorp Genetics (formerly Invitae), Labcorp
Classification: Uncertain significance for Glycogen storage disease type III. Last evaluated: 2021-09-01. Review status: criteria provided, single submitter. Criteria: Invitae Variant Classification Sherloc (09022015). Collection method: clinical testing. Allele origin: germline.
Comment: This sequence change replaces glycine with aspartic acid at codon 1442 of the AGL protein (p.Gly1442Asp). The glycine residue is highly conserved and there is a moderate physicochemical difference between glycine and aspartic acid. This variant is not present in population databases (ExAC no frequency). This variant has not been reported in the literature in individuals affected with AGL-related conditions. Algorithms developed to predict the effect of missense changes on protein structure and function (SIFT, PolyPhen-2, Align-GVGD) all suggest that this variant is likely to be disruptive. In summary, the available evidence is currently insufficient to determine the role of this variant in disease. Therefore, it has been classified as a Variant of Uncertain Significance.

NM_000642.3(AGL):c.4325G>A (p.Gly1442Asp)

Gene: AGL (amylo-alpha-1,6-glucosidase and 4-alpha-glucanotransferase; plus strand). Cytogenetic location: 1p21.2.
Variant type: single nucleotide variant.
Coding change: c.4325G>A on transcript NM_000642.3 (MANE Select); coding-DNA position 4325, G replaced by A.
Protein change: p.Gly1442Asp; replaces glycine 1442 with aspartic acid.
Molecular consequence: missense variant.
Genome position (GRCh38, 1-based): chr1:99,916,475, G>A. VCF-style: chr1-99916475-G-A. GRCh37 (hg19) VCF-style: chr1-100382031-G-A.
Other names: c.4325G>A, p.Gly1442Asp (NM_000028.3, NM_000643.3, NM_000644.3 and 1 more transcripts); c.4277G>A, p.Gly1426Asp (NM_000646.3); c.4304G>A, p.Gly1435Asp (NM_001425326.1); c.4124G>A, p.Gly1375Asp (NM_001425327.1); c.4121G>A, p.Gly1374Asp (NM_001425328.1); c.3986G>A, p.Gly1329Asp (NM_001425329.1); c.3947G>A, p.Gly1316Asp (NM_001425332.1); short protein forms G1426D, G1442D, G1316D, G1329D, G1374D, G1375D, G1435D.
Identifiers: ClinVar variation 844554 (VCV000844554.3), dbSNP rs1281131845, ClinGen allele CA341342329.